The following is an entry in ClinVar:

NM_005502.4(ABCA1):c.6681T>A (p.Asp2227Glu)

Genes: ABCA1 (ATP binding cassette subfamily A member 1; minus strand), NIPSNAP3B (nipsnap homolog 3B; plus strand). Cytogenetic location: 9q31.1.
Variant type: single nucleotide variant.
Coding change: c.6681T>A on transcript NM_005502.4 (MANE Select); coding-DNA position 6681, T replaced by A.
Protein change: p.Asp2227Glu; replaces aspartic acid 2227 with glutamic acid.
Molecular consequence: missense variant.
Genome position (GRCh38, 1-based): chr9:104,784,420, A>T on the plus strand (T>A on the coding strand, the complement: ABCA1 is on the minus strand). VCF-style: chr9-104784420-A-T. GRCh37 (hg19) VCF-style: chr9-107546701-A-T.
Other names: short protein forms D2227E.
Identifiers: ClinVar variation 1754860 (VCV001754860.2), dbSNP rs1367640456, ClinGen allele CA374310916.

ClinVar aggregate classification (germline): Uncertain significance (1 of 4 stars; one submission).

Conditions:
Cardiovascular phenotype. Identifiers: MedGen CN230736.

Submission:

Ambry Genetics
Classification: Uncertain significance for Cardiovascular phenotype. Last evaluated: 2022-08-24. Review status: criteria provided, single submitter. Criteria: Ambry Variant Classification Scheme 2023. Collection method: clinical testing. Allele origin: germline.
Comment: The p.D2227E variant (also known as c.6681T>A), located in coding exon 49 of the ABCA1 gene, results from a T to A substitution at nucleotide position 6681. The aspartic acid at codon 2227 is replaced by glutamic acid, an amino acid with highly similar properties. This amino acid position is conserved. In addition, this alteration is predicted to be tolerated by in silico analysis. Since supporting evidence is limited at this time, the clinical significance of this alteration remains unclear.